The following is an entry in ClinVar:

NM_183357.3(ADCY5):c.253G>C (p.Gly85Arg)

Gene: ADCY5 (adenylate cyclase 5; minus strand). Cytogenetic location: 3q21.1.
Variant type: single nucleotide variant.
Coding change: c.253G>C on transcript NM_183357.3 (MANE Select); coding-DNA position 253, G replaced by C.
Protein change: p.Gly85Arg; replaces glycine 85 with arginine.
Molecular consequence: missense variant.
Genome position (GRCh38, 1-based): chr3:123,448,293, C>G on the plus strand (G>C on the coding strand, the complement: ADCY5 is on the minus strand). VCF-style: chr3-123448293-C-G. GRCh37 (hg19) VCF-style: chr3-123167140-C-G.
Other names: c.253G>C, p.Gly85Arg (NM_001378259.1); short protein forms G85R.
Identifiers: ClinVar variation 2579829 (VCV002579829.1), dbSNP rs764919392, ClinGen allele CA354358599.

ClinVar aggregate classification (germline): Uncertain significance (1 of 4 stars; one submission).

Allele frequency attached by ClinVar (database versions not stated): TOPMed below 0.00001; gnomAD 0.00001.
gnomAD v4.1: 1 of 1,534,106 alleles (0.000065%); highest among the groups gnomAD compares: Non-Finnish European, 0.000087%; no homozygotes.

Submission:

GeneDx
Classification: Uncertain significance. Last evaluated: 2023-03-16. Review status: criteria provided, single submitter. Criteria: GeneDx Variant Classification Process June 2021. Collection method: clinical testing. Allele origin: germline. Affected: yes.
Comment: Not observed at significant frequency in large population cohorts (gnomAD); In silico analysis supports that this missense variant does not alter protein structure/function; Has not been previously published as pathogenic or benign to our knowledge